The following is an entry in ClinVar:

NM_182961.4(SYNE1):c.2798A>G (p.Glu933Gly)

Gene: SYNE1 (spectrin repeat containing nuclear envelope protein 1; minus strand). Cytogenetic location: 6q25.2.
Variant type: single nucleotide variant.
Coding change: c.2798A>G on transcript NM_182961.4 (MANE Select); coding-DNA position 2798, A replaced by G.
Protein change: p.Glu933Gly; replaces glutamic acid 933 with glycine.
Molecular consequence: missense variant.
Genome position (GRCh38, 1-based): chr6:152,455,520, T>C on the plus strand (A>G on the coding strand, the complement: SYNE1 is on the minus strand). VCF-style: chr6-152455520-T-C. GRCh37 (hg19) VCF-style: chr6-152776655-T-C.
Other names: c.2819A>G, p.Glu940Gly (NM_033071.5); short protein forms E940G, E933G.
Identifiers: ClinVar variation 1045294 (VCV001045294.8), dbSNP rs2098689694, ClinGen allele CA366110732.
Genomic context (GRCh38, chr6:152,455,520, plus strand): 5'-TTTTCCTCCAGGCCCTCCTGAGCAATCCGCAGTACCTTCTCCAACTCTGCTCGAGACTCC[T>C]CAAACTTCTTCATCAAGCGACTGTTGGTTTCCACATGCTTCTTCCAATCTCCAGTTTTCT-3'
Protein context (NP_892006.3, residues 923-943): ETNSRLMKKF[Glu933Gly]ESRAELEKVL

ClinVar aggregate classification (germline): Uncertain significance (1 of 4 stars; one submission).

Conditions:
Emery-Dreifuss muscular dystrophy 4, autosomal dominant (EDMD4). Also called: EMERY-DREIFUSS MUSCULAR DYSTROPHY 4 WITH VARIABLE FEATURES. Identifiers: Orphanet 261, MedGen C2751807, MONDO:0013071, OMIM 612998.
Autosomal recessive ataxia, Beauce type. Also called: Spinocerebellar ataxia, autosomal recessive 8; ATAXIA, RECESSIVE, OF BEAUCE; SYNE1 Deficiency; SYNE1-Related Autosomal Recessive Cerebellar Ataxia. Identifiers: Orphanet 88644, MedGen C1853116, MONDO:0012549, OMIM 610743.

Submission:

Labcorp Genetics (formerly Invitae), Labcorp
Classification: Uncertain significance for Emery-Dreifuss muscular dystrophy 4, autosomal dominant; Autosomal recessive ataxia, Beauce type. Last evaluated: 2020-03-05. Review status: criteria provided, single submitter. Criteria: Invitae Variant Classification Sherloc (09022015). Collection method: clinical testing. Allele origin: germline.
Comment: This variant has not been reported in the literature in individuals with SYNE1-related conditions. This variant is not present in population databases (ExAC no frequency). This sequence change replaces glutamic acid with glycine at codon 940 of the SYNE1 protein (p.Glu940Gly). The glutamic acid residue is highly conserved and there is a moderate physicochemical difference between glutamic acid and glycine. Algorithms developed to predict the effect of missense changes on protein structure and function are either unavailable or do not agree on the potential impact of this missense change (SIFT: "Deleterious"; PolyPhen-2: "Probably Damaging"; Align-GVGD: "Class C0"). In summary, the available evidence is currently insufficient to determine the role of this variant in disease. Therefore, it has been classified as a Variant of Uncertain Significance.